The following is an entry in ClinVar:

ClinVar aggregate classification (germline): Uncertain significance. Review status: criteria provided, multiple submitters, no conflicts (2 of 4 stars). 2 submissions from 2 submitters: Uncertain significance (2). Last evaluated 2024-01-03.

Conditions:
Atrial fibrillation, familial, 7 (ATFB7). Identifiers: MedGen C2677106, MONDO:0012828, OMIM 612240.

Allele frequency attached by ClinVar (database versions not stated): gnomAD exomes below 0.00001 and 0.00001; gnomAD 0.00001; TOPMed 0.00001.

Submissions (2):

GeneDx
Classification: Uncertain significance. Last evaluated: 2024-01-03. Review status: criteria provided, single submitter. Criteria: GeneDx Variant Classification Process June 2021. Collection method: clinical testing. Allele origin: germline. Affected: yes.
Comment: Has not been previously published as pathogenic or benign to our knowledge; Not observed at significant frequency in large population cohorts (gnomAD); Frameshift variant predicted to result in abnormal protein length as the last 385 amino acids are replaced with 46 different amino acids

Labcorp Genetics (formerly Invitae), Labcorp
Classification: Uncertain significance for Atrial fibrillation, familial, 7. Last evaluated: 2021-09-04. Review status: criteria provided, single submitter. Criteria: Invitae Variant Classification Sherloc (09022015). Collection method: clinical testing. Allele origin: germline.
Comment: This sequence change creates a premature translational stop signal (p.Arg229Alafs*47) in the KCNA5 gene. While this is not anticipated to result in nonsense mediated decay, it is expected to disrupt the last 385 amino acid(s) of the KCNA5 protein. This variant is not present in population databases (ExAC no frequency). This variant has not been reported in the literature in individuals affected with KCNA5-related conditions. ClinVar contains an entry for this variant (Variation ID: 504248). Experimental studies and prediction algorithms are not available or were not evaluated, and the functional significance of this variant is currently unknown. In summary, the available evidence is currently insufficient to determine the role of this variant in disease. Therefore, it has been classified as a Variant of Uncertain Significance.

NM_002234.4(KCNA5):c.677_680dup (p.Arg229fs)

Gene: KCNA5 (potassium voltage-gated channel subfamily A member 5; plus strand). Cytogenetic location: 12p13.32.
Variant type: Duplication.
Coding change: c.677_680dup on transcript NM_002234.4 (MANE Select); coding-DNA positions 677 to 680, 4 bases duplicated (CCCT; older notation c.677_680dupCCCT).
Protein change: p.Arg229fs; shifts the reading frame from arginine 229.
Molecular consequence: frameshift variant.
Genome position (GRCh38, 1-based): chr12:5,044,824-5,044,827, CCCT duplicated. VCF-style (leftmost placement, unchanged base first): chr12-5044823-C-CCCCT. GRCh37 (hg19) VCF-style: chr12-5153989-C-CCCCT.
Other names: c.677_680dupCCCT (NM_002234.2); c.677_680dup (NM_002234.2); short protein forms R229fs.
Identifiers: ClinVar variation 504248 (VCV000504248.3), dbSNP rs1387839123, ClinGen allele CA603482588.